The following is an entry in ClinVar:

NM_004260.4(RECQL4):c.707G>C (p.Gly236Ala)

Gene: RECQL4 (RecQ like helicase 4; minus strand). Cytogenetic location: 8q24.3.
Variant type: single nucleotide variant.
Coding change: c.707G>C on transcript NM_004260.4 (MANE Select); coding-DNA position 707, G replaced by C.
Protein change: p.Gly236Ala; replaces glycine 236 with alanine.
Molecular consequence: missense variant.
Genome position (GRCh38, 1-based): chr8:144,516,412, C>G on the plus strand (G>C on the coding strand, the complement: RECQL4 is on the minus strand). VCF-style: chr8-144516412-C-G. GRCh37 (hg19) VCF-style: chr8-145741796-C-G.
Other names: c.707G>C, p.Gly236Ala (NM_001413017.1, NM_001413018.1, NM_001413019.1 and 4 more transcripts); c.-365G>C (NM_001413021.1, NM_001413022.1, NM_001413023.1 and 7 more transcripts); c.578G>C, p.Gly193Ala (NM_001413025.1); c.-427G>C (NM_001413027.1, NM_001413030.1, NM_001413031.1 and 2 more transcripts); c.356G>C, p.Gly119Ala (NM_001413029.1); c.-269G>C (NM_001413034.1); c.-634G>C (NM_001413043.1); short protein forms G236A, G119A, G193A.
Identifiers: ClinVar variation 2107449 (VCV002107449.4), dbSNP rs778457870, ClinGen allele CA372689581.

ClinVar aggregate classification (germline): Uncertain significance (1 of 4 stars; one submission).

Conditions:
Baller-Gerold syndrome (BGS). Also called: CRANIOSYNOSTOSIS WITH RADIAL DEFECTS. Identifiers: Orphanet 1225, MedGen C0265308, MONDO:0009039, OMIM 218600.

Submission:

Labcorp Genetics (formerly Invitae), Labcorp
Classification: Uncertain significance for Baller-Gerold syndrome. Last evaluated: 2022-03-06. Review status: criteria provided, single submitter. Criteria: Invitae Variant Classification Sherloc (09022015). Collection method: clinical testing. Allele origin: germline.
Comment: In summary, the available evidence is currently insufficient to determine the role of this variant in disease. Therefore, it has been classified as a Variant of Uncertain Significance. Experimental studies and prediction algorithms are not available or were not evaluated, and the functional significance of this variant is currently unknown. This variant has not been reported in the literature in individuals affected with RECQL4-related conditions. This variant is not present in population databases (gnomAD no frequency). This sequence change replaces glycine, which is neutral and non-polar, with alanine, which is neutral and non-polar, at codon 236 of the RECQL4 protein (p.Gly236Ala).